The following is an entry in ClinVar:

ClinVar aggregate classification (germline): Uncertain significance. Review status: criteria provided, multiple submitters, no conflicts (2 of 4 stars). 2 submissions from 2 submitters: Uncertain significance (2). Last evaluated 2025-05-04.

Conditions:
Inborn genetic diseases. Identifiers: MedGen C0950123, MeSH D030342.

gnomAD v4.1: 47 of 1,613,560 alleles (0.0029%); highest among the groups gnomAD compares: Middle Eastern, 0.016%; no homozygotes.

Submissions (2):

Ambry Genetics
Classification: Uncertain significance for Inborn genetic diseases. Last evaluated: 2025-05-04. Review status: criteria provided, single submitter. Criteria: Ambry Variant Classification Scheme 2023. Collection method: clinical testing. Allele origin: germline.

Labcorp Genetics (formerly Invitae), Labcorp
Classification: Uncertain significance. Last evaluated: 2022-05-15. Review status: criteria provided, single submitter. Criteria: Invitae Variant Classification Sherloc (09022015). Collection method: clinical testing. Allele origin: germline.
Comment: This variant is present in population databases (rs116055478, gnomAD 0.01%). This sequence change replaces alanine, which is neutral and non-polar, with valine, which is neutral and non-polar, at codon 1268 of the CENPF protein (p.Ala1268Val). This variant has not been reported in the literature in individuals affected with CENPF-related conditions. Algorithms developed to predict the effect of missense changes on protein structure and function (SIFT, PolyPhen-2, Align-GVGD) all suggest that this variant is likely to be tolerated. In summary, the available evidence is currently insufficient to determine the role of this variant in disease. Therefore, it has been classified as a Variant of Uncertain Significance.

NM_016343.4(CENPF):c.3803C>T (p.Ala1268Val)

Gene: CENPF (centromere protein F; plus strand). Cytogenetic location: 1q41.
Variant type: single nucleotide variant.
Coding change: c.3803C>T on transcript NM_016343.4 (MANE Select); coding-DNA position 3803, C replaced by T.
Protein change: p.Ala1268Val; replaces alanine 1268 with valine.
Molecular consequence: missense variant.
Genome position (GRCh38, 1-based): chr1:214,642,141, C>T. VCF-style: chr1-214642141-C-T. GRCh37 (hg19) VCF-style: chr1-214815484-C-T.
Other names: short protein forms A1268V.
Identifiers: ClinVar variation 2077489 (VCV002077489.6), dbSNP rs116055478, ClinGen allele CA1390469.